The following is an entry in ClinVar:

ClinVar aggregate classification (germline): Likely benign. Review status: criteria provided, multiple submitters, no conflicts (2 of 4 stars). 2 submissions from 2 submitters: Likely benign (2). Last evaluated 2023-06-26.

Conditions:
Loeys-Dietz syndrome (LDS). Identifiers: Orphanet 60030, MedGen C2697932, MONDO:0018954.
Familial thoracic aortic aneurysm and aortic dissection (TAAD). Also called: Thoracic aortic aneurysms and dissections. Identifiers: Orphanet 91387, MedGen C4707243, MONDO:0019625.

Allele frequency attached by ClinVar (database versions not stated): TOPMed below 0.00001; gnomAD 0.00001.

Submissions (2):

All of Us Research Program, National Institutes of Health
Classification: Likely benign for Loeys-Dietz syndrome. Last evaluated: 2023-06-26. Review status: criteria provided, single submitter. Criteria: ACMG Guidelines, 2015. Collection method: clinical testing. Allele origin: germline. Inheritance: Autosomal dominant inheritance. Observed: 1 variant allele, 1 heterozygote.
Comment: This study involves interpretation of variants in research participants for the purpose of population health screening. Participant phenotype was not available at the time of variant classification. Additional details can be found in publication PMID: 35346344, PMCID: PMC8962531

Color Diagnostics, LLC DBA Color Health
Classification: Likely benign for Familial thoracic aortic aneurysm and aortic dissection. Last evaluated: 2019-09-09. Review status: criteria provided, single submitter. Criteria: ACMG Guidelines, 2015. Collection method: clinical testing. Allele origin: germline.

NM_004612.4(TGFBR1):c.1131-10T>A

Gene: TGFBR1 (transforming growth factor beta receptor 1; plus strand). Cytogenetic location: 9q22.33.
Variant type: single nucleotide variant.
Coding change: c.1131-10T>A on transcript NM_004612.4 (MANE Select); 10 bases into the intron before coding-DNA position 1131, T replaced by A.
Molecular consequence: intron variant.
Genome position (GRCh38, 1-based): chr9:99,146,475, T>A. VCF-style: chr9-99146475-T-A. GRCh37 (hg19) VCF-style: chr9-101908757-T-A.
Other names: c.1143-10T>A (NM_001306210.2); c.900-10T>A (NM_001130916.3).
Identifiers: ClinVar variation 922774 (VCV000922774.3), dbSNP rs1390613164, ClinGen allele CA869141479.